The following is an entry in ClinVar:

NM_001008537.3(NEXMIF):c.2138_2171dup (p.Ser724delinsArgGluGluSerAlaGlnTer)

Gene: NEXMIF (neurite extension and migration factor; minus strand). Cytogenetic location: Xq13.3.
Variant type: Duplication.
Coding change: c.2138_2171dup on transcript NM_001008537.3 (MANE Select); coding-DNA positions 2138 to 2171, 34 bases duplicated.
Protein change: p.Ser724delinsArgGluGluSerAlaGlnTer.
Molecular consequence: nonsense.
Genome position (GRCh38, 1-based): chrX:74,742,386-74,742,419, 34 bases duplicated; duplicating any 34 consecutive bases within chrX:74,742,386-74,742,421 gives the same sequence; the c. name uses the placement nearest the transcript's 3' end. GRCh37 (hg19): chrX:73,962,223-73,962,256.
Identifiers: ClinVar variation 280172 (VCV000280172.2), dbSNP rs886041427, ClinGen allele CA10603636.

ClinVar aggregate classification (germline): Pathogenic (1 of 4 stars; one submission).

Submission:

GeneDx
Classification: Pathogenic. Last evaluated: 2015-12-28. Review status: criteria provided, single submitter. Criteria: GeneDx Variant Classification (06012015). Collection method: clinical testing. Allele origin: germline. Affected: yes.
Comment: The c.2138_2171dup34 pathogenic variant in the KIAA2022 gene has not been reported previously as a pathogenic variant nor as a benign variant, to our knowledge. The c.2138_2171dup34 variant causes a frameshift starting with codon Serine 724, changes this amino acid to an Arginine residue, and creates a premature Stop codon at position 7 of the new reading frame, denoted p.Ser724ArgfsX7. This variant is predicted to cause loss of normal protein function either through protein truncation or nonsense-mediated mRNA decay. The c.2138_2171dup34 variant was not observed in approximately 6500 individuals of European and African American ancestry in the NHLBI Exome Sequencing Project, indicating it is not a common benign variant in these populations. We interpret c.2138_2171dup34 as a pathogenic variant.